The following is an entry in ClinVar:

ClinVar aggregate classification (germline): Uncertain significance (1 of 4 stars; one submission).

Allele frequency attached by ClinVar (database versions not stated): gnomAD 0.00001; TOPMed 0.00002.
gnomAD v4.1: 4 of 1,613,706 alleles (0.00025%); highest among the groups gnomAD compares: African/African-American, 0.004%; no homozygotes.

Submission:

Labcorp Genetics (formerly Invitae), Labcorp
Classification: Uncertain significance. Last evaluated: 2022-01-14. Review status: criteria provided, single submitter. Criteria: Invitae Variant Classification Sherloc (09022015). Collection method: clinical testing. Allele origin: germline.
Comment: Advanced modeling of protein sequence and biophysical properties (such as structural, functional, and spatial information, amino acid conservation, physicochemical variation, residue mobility, and thermodynamic stability) performed at Invitae indicates that this missense variant is expected to disrupt ACO2 protein function. In summary, the available evidence is currently insufficient to determine the role of this variant in disease. Therefore, it has been classified as a Variant of Uncertain Significance. This variant has not been reported in the literature in individuals affected with ACO2-related conditions. This variant is present in population databases (no rsID available, gnomAD 0.01%). This sequence change replaces alanine, which is neutral and non-polar, with threonine, which is neutral and polar, at codon 629 of the ACO2 protein (p.Ala629Thr).

NM_001098.3(ACO2):c.1885G>A (p.Ala629Thr)

Genes: ACO2 (aconitase 2; plus strand), POLR3H (RNA polymerase III subunit H; minus strand). Cytogenetic location: 22q13.2.
Variant type: single nucleotide variant.
Coding change: c.1885G>A on transcript NM_001098.3 (MANE Select); coding-DNA position 1885, G replaced by A.
Protein change: p.Ala629Thr; replaces alanine 629 with threonine.
Molecular consequence: missense variant. On other transcripts: 3 prime UTR variant (5).
Genome position (GRCh38, 1-based): chr22:41,526,385, G>A. VCF-style: chr22-41526385-G-A. GRCh37 (hg19) VCF-style: chr22-41922389-G-A.
Other names: c.*2898C>T (NM_138338.5, NM_001018050.4, NM_001018052.4 and 2 more transcripts); short protein forms A629T.
Identifiers: ClinVar variation 1354455 (VCV001354455.8), dbSNP rs774364288, ClinGen allele CA411728539.